The following is an entry in ClinVar:

NM_000090.4(COL3A1):c.4038T>C (p.Pro1346=)

Gene: COL3A1 (collagen type III alpha 1 chain; plus strand). Cytogenetic location: 2q32.2.
Variant type: single nucleotide variant.
Coding change: c.4038T>C on transcript NM_000090.4 (MANE Select); coding-DNA position 4038, T replaced by C.
Protein change: p.Pro1346=; no amino-acid change (proline 1346 retained).
Molecular consequence: synonymous variant.
Genome position (GRCh38, 1-based): chr2:189,010,674, T>C. VCF-style: chr2-189010674-T-C. GRCh37 (hg19) VCF-style: chr2-189875400-T-C.
Identifiers: ClinVar variation 386539 (VCV000386539.15), dbSNP rs113753099, ClinGen allele CA076431.
Genomic context (GRCh38, chr2:189,010,674, plus strand): 5'-ATGTTTGATCTGTTTTATTTGTTCCCTATTACAGTTTAGCTACGGCAATCCTGAACTTCC[T>C]GAAGATGTCCTTGATGTGCATCTGGCATTCCTTCGACTTCTCTCCAGCCGAGCTTCCCAG-3'
Protein context (NP_000081.2, residues 1336-1356): FQFSYGNPEL[Pro1346=]EDVLDVHLAF

ClinVar aggregate classification (germline): Likely benign. Review status: criteria provided, multiple submitters, no conflicts (2 of 4 stars). 4 submissions from 4 submitters: Likely benign (4). Last evaluated 2025-04-23.

Conditions:
Familial thoracic aortic aneurysm and aortic dissection (TAAD). Also called: Thoracic aortic aneurysms and dissections. Identifiers: Orphanet 91387, MedGen C4707243, MONDO:0019625.
Ehlers-Danlos syndrome, type 4 (EDSVASC). Also called: Ehlers-Danlos Syndrome Type IV; Ehlers-Danlos syndrome vascular type; Ehlers Danlos syndrome, ecchymotic type; Ehlers Danlos syndrome, arterial type; Ehlers Danlos syndrome, Sack-Barabas type. Identifiers: Orphanet 286, MedGen C0268338, MONDO:0017314, OMIM 130050.

Allele frequency attached by ClinVar (database versions not stated): gnomAD exomes 0.00001 and 0.00002; TOPMed 0.00001; ExAC 0.00002; gnomAD 0.00002 and 0.00003.
gnomAD v4.1: 24 of 1,614,076 alleles (0.0015%); highest among the groups gnomAD compares: South Asian, 0.013%; no homozygotes.

Submissions (4):

Labcorp Genetics (formerly Invitae), Labcorp
Classification: Likely benign for Ehlers-Danlos syndrome, type 4. Last evaluated: 2025-04-23. Review status: criteria provided, single submitter. Criteria: Invitae Variant Classification Sherloc (09022015). Collection method: clinical testing. Allele origin: germline.

All of Us Research Program, National Institutes of Health
Classification: Likely benign for Ehlers-Danlos syndrome, type 4. Last evaluated: 2023-12-01. Review status: criteria provided, single submitter. Criteria: ACMG Guidelines, 2015. Collection method: clinical testing. Allele origin: germline. Inheritance: Autosomal dominant inheritance. Observed: 5 variant alleles, 5 heterozygotes.
Comment: This study involves interpretation of variants in research participants for the purpose of population health screening. Participant phenotype was not available at the time of variant classification. Additional details can be found in publication PMID: 35346344, PMCID: PMC8962531

GeneDx
Classification: Likely benign. Last evaluated: 2020-12-29. Review status: criteria provided, single submitter. Criteria: GeneDx Variant Classification Process June 2021. Collection method: clinical testing. Allele origin: germline. Affected: yes.

Color Diagnostics, LLC DBA Color Health
Classification: Likely benign for Familial thoracic aortic aneurysm and aortic dissection. Last evaluated: 2019-07-02. Review status: criteria provided, single submitter. Criteria: ACMG Guidelines, 2015. Collection method: clinical testing. Allele origin: germline.